The following is an entry in ClinVar:

ClinVar aggregate classification (germline): Uncertain significance (1 of 4 stars; one submission).

Submission:

Labcorp Genetics (formerly Invitae), Labcorp
Classification: Uncertain significance. Last evaluated: 2022-05-14. Review status: criteria provided, single submitter. Criteria: Invitae Variant Classification Sherloc (09022015). Collection method: clinical testing. Allele origin: germline.
Comment: In summary, the available evidence is currently insufficient to determine the role of this variant in disease. Therefore, it has been classified as a Variant of Uncertain Significance. Experimental studies and prediction algorithms are not available or were not evaluated, and the functional significance of this variant is currently unknown. This variant has been observed in individual(s) with clinical features of Knobloch syndrome (Invitae). In at least one individual the data is consistent with being in trans (on the opposite chromosome) from a pathogenic variant. This variant is present in population databases (rs760149649, gnomAD 0.001%). This variant, c.3764_3766del, results in the deletion of 1 amino acid(s) of the COL18A1 protein (p.Ser1255del), but otherwise preserves the integrity of the reading frame.

NM_001379500.1(COL18A1):c.3773_3775del (p.Ser1258del)

Genes: COL18A1 (collagen type XVIII alpha 1 chain; plus strand), SLC19A1 (solute carrier family 19 member 1; minus strand). Cytogenetic location: 21q22.3.
Variant type: Deletion.
Coding change: c.3773_3775del on transcript NM_001379500.1 (MANE Select); coding-DNA positions 3773 to 3775, 3 bases deleted (CCT; older notation c.3773_3775delCCT).
Protein change: p.Ser1258del; deletes serine 1258.
Molecular consequence: inframe deletion.
Genome position (GRCh38, 1-based): chr21:45,511,190-45,511,192, CCT deleted; deleting any 3 consecutive bases within chr21:45,511,188-45,511,192 gives the same sequence; the c. name uses the placement nearest the transcript's 3' end. VCF-style (leftmost placement, unchanged base first): chr21-45511187-TCTC-T. GRCh37 (hg19) VCF-style: chr21-46931101-TCTC-T.
Other names: c.4304_4306del, p.Ser1435del (NM_030582.4); c.5009_5011del, p.Ser1670del (NM_130444.3); short protein forms S1670del, S1258del, S1435del.
Identifiers: ClinVar variation 1427950 (VCV001427950.6), dbSNP rs760149649, ClinGen allele CA10068069.